The following is an entry in ClinVar:

NM_002691.4(POLD1):c.1853A>T (p.Tyr618Phe)

Gene: POLD1 (DNA polymerase delta 1, catalytic subunit; plus strand). Cytogenetic location: 19q13.33.
Variant type: single nucleotide variant.
Coding change: c.1853A>T on transcript NM_002691.4 (MANE Select); coding-DNA position 1853, A replaced by T.
Protein change: p.Tyr618Phe; replaces tyrosine 618 with phenylalanine.
Molecular consequence: missense variant. On other transcripts: non-coding transcript variant (1).
Genome position (GRCh38, 1-based): chr19:50,408,862, A>T. VCF-style: chr19-50408862-A-T. GRCh37 (hg19) VCF-style: chr19-50912119-A-T.
Other names: c.1853A>T, p.Tyr618Phe (NM_001256849.1); c.1931A>T, p.Tyr644Phe (NM_001308632.1); short protein forms Y644F, Y618F.
Identifiers: ClinVar variation 2858747 (VCV002858747.3), dbSNP rs2122368984, ClinGen allele CA406982098.

ClinVar aggregate classification (germline): Uncertain significance (1 of 4 stars; one submission).

Conditions:
POLD1-related polyposis and colorectal cancer syndrome (CRCS10). Also called: Colorectal cancer 10; COLORECTAL CANCER, SUSCEPTIBILITY TO, ON CHROMOSOME 19q; Colorectal cancer, susceptibility to, 10. Identifiers: Orphanet 220460, MedGen C2675481, MONDO:0012953, OMIM 612591.

Submission:

Labcorp Genetics (formerly Invitae), Labcorp
Classification: Uncertain significance for POLD1-related polyposis and colorectal cancer syndrome. Last evaluated: 2023-04-24. Review status: criteria provided, single submitter. Criteria: Invitae Variant Classification Sherloc (09022015). Collection method: clinical testing. Allele origin: germline.
Comment: This sequence change replaces tyrosine, which is neutral and polar, with phenylalanine, which is neutral and non-polar, at codon 618 of the POLD1 protein (p.Tyr618Phe). In summary, the available evidence is currently insufficient to determine the role of this variant in disease. Therefore, it has been classified as a Variant of Uncertain Significance. Advanced modeling of protein sequence and biophysical properties (such as structural, functional, and spatial information, amino acid conservation, physicochemical variation, residue mobility, and thermodynamic stability) performed at Invitae indicates that this missense variant is expected to disrupt POLD1 protein function. This variant has not been reported in the literature in individuals affected with POLD1-related conditions. This variant is not present in population databases (gnomAD no frequency).